The following is an entry in ClinVar:

ClinVar aggregate classification (germline): Uncertain significance (1 of 4 stars; one submission).

Conditions:
Neuropathy, hereditary sensory, type 2C. Also called: KIF1A-Related HSAN2 (HSAN2C); Hereditary sensory and autonomic neuropathy type IIC. Identifiers: Orphanet 970, MedGen C3280168, MONDO:0013634, OMIM 614213.
Hereditary spastic paraplegia 30. Identifiers: Orphanet 101010, MedGen C5235139, MONDO:0012476.
Intellectual disability, autosomal dominant 9 (NESCAVS). Also called: NESCAV SYNDROME; KIF1A-Related Neurodevelopmental Disorder. Identifiers: Orphanet 662367, MedGen C5393830, MONDO:0013656, OMIM 614255.

Allele frequency attached by ClinVar (database versions not stated): gnomAD exomes below 0.00001.
gnomAD v4.1: 1 of 1,611,260 alleles (0.000062%); highest among the groups gnomAD compares: Non-Finnish European, 0.000085%; no homozygotes.

Submission:

Labcorp Genetics (formerly Invitae), Labcorp
Classification: Uncertain significance for Hereditary spastic paraplegia 30; Neuropathy, hereditary sensory, type 2C; Intellectual disability, autosomal dominant 9. Last evaluated: 2023-07-19. Review status: criteria provided, single submitter. Criteria: Invitae Variant Classification Sherloc (09022015). Collection method: clinical testing. Allele origin: germline.
Comment: This variant is not present in population databases (gnomAD no frequency). This sequence change replaces serine, which is neutral and polar, with threonine, which is neutral and polar, at codon 1532 of the KIF1A protein (p.Ser1532Thr). This variant has not been reported in the literature in individuals affected with KIF1A-related conditions. In summary, the available evidence is currently insufficient to determine the role of this variant in disease. Therefore, it has been classified as a Variant of Uncertain Significance. Advanced modeling of protein sequence and biophysical properties (such as structural, functional, and spatial information, amino acid conservation, physicochemical variation, residue mobility, and thermodynamic stability) performed at Invitae indicates that this missense variant is not expected to disrupt KIF1A protein function.

NM_001244008.2(KIF1A):c.4898G>C (p.Ser1633Thr)

Gene: KIF1A (kinesin family member 1A; minus strand). Cytogenetic location: 2q37.3.
Variant type: single nucleotide variant.
Coding change: c.4898G>C on transcript NM_001244008.2 (MANE Select); coding-DNA position 4898, G replaced by C.
Protein change: p.Ser1633Thr; replaces serine 1633 with threonine.
Molecular consequence: missense variant.
Genome position (GRCh38, 1-based): chr2:240,719,897, C>G on the plus strand (G>C on the coding strand, the complement: KIF1A is on the minus strand). VCF-style: chr2-240719897-C-G. GRCh37 (hg19) VCF-style: chr2-241659314-C-G.
Other names: c.4622G>C, p.Ser1541Thr (NM_001320705.2, NM_001379649.1); c.4649G>C, p.Ser1550Thr (NM_001330289.2); c.4697G>C, p.Ser1566Thr (NM_001330290.2, NM_001379648.1); c.4973G>C, p.Ser1658Thr (NM_001379631.1); c.4874G>C, p.Ser1625Thr (NM_001379632.1); c.4871G>C, p.Ser1624Thr (NM_001379633.1, NM_001379645.1); c.4724G>C, p.Ser1575Thr (NM_001379634.1); c.4721G>C, p.Ser1574Thr (NM_001379635.1, NM_001379646.1); and 7 more; short protein forms S1557T, S1570T, S1549T, S1575T, S1624T, S1633T, S1541T, S1550T.
Identifiers: ClinVar variation 2950047 (VCV002950047.3), dbSNP rs2125575413, ClinGen allele CA351300931.